The following is an entry in ClinVar:

ClinVar aggregate classification (germline): Uncertain significance (1 of 4 stars; one submission).

Conditions:
NPHP3-related disorder. Also called: NPHP3-related disorders; NPHP3-related condition. Identifiers: MedGen CN379163.

Submission:

PreventionGenetics, part of Exact Sciences
Classification: Uncertain significance for NPHP3-related condition. Last evaluated: 2025-09-15. Review status: criteria provided, single submitter. Criteria: ACMG Guidelines, 2015. Collection method: clinical testing. Allele origin: germline.
Comment: The NPHP3 c.2815A>G variant is predicted to result in the amino acid substitution p.Met939Val. To our knowledge, this variant has not been reported in the literature or in a large population database (gnomAD), indicating this variant is rare. At this time, the clinical significance of this variant is uncertain due to the absence of conclusive functional and genetic evidence.

NM_153240.5(NPHP3):c.2815A>G (p.Met939Val)

Genes: NPHP3 (nephrocystin 3; minus strand), NPHP3-ACAD11 (NPHP3-ACAD11 readthrough (NMD candidate); minus strand). Cytogenetic location: 3q22.1.
Variant type: single nucleotide variant.
Coding change: c.2815A>G on transcript NM_153240.5 (MANE Select); coding-DNA position 2815, A replaced by G.
Protein change: p.Met939Val; replaces methionine 939 with valine.
Molecular consequence: missense variant. On other transcripts: non-coding transcript variant (1).
Genome position (GRCh38, 1-based): chr3:132,689,142, T>C on the plus strand (A>G on the coding strand, the complement: NPHP3 is on the minus strand). VCF-style: chr3-132689142-T-C. GRCh37 (hg19) VCF-style: chr3-132407986-T-C.
Other names: short protein forms M939V.
Identifiers: ClinVar variation 4988968 (VCV004988968.1).
Genomic context (GRCh38, chr3:132,689,142, plus strand): 5'-GAAGGCCTAGATCCTTGAGAAATCGCCCCAAGGTTTCATAAAGATCAGCTAAGCAACTCA[T>C]GTTGTCCTCGCCTTCGCAGTTTTTCTCATACTGCTTCAATGAATCGAAGTATTCTGTTGC-3'
Protein context (NP_694972.3, residues 929-949): YEKNCEGEDN[Met939Val]SCLADLYETL